The following is an entry in ClinVar:

NM_001267550.2(TTN):c.96286G>A (p.Ala32096Thr)

Genes: TTN (titin; minus strand), TTN-AS1 (TTN antisense RNA 1; plus strand), LOC126806421 (CDK7 strongly-dependent group 2 enhancer GRCh37_chr2:179407630-179408829; plus strand). Cytogenetic location: 2q31.2.
Variant type: single nucleotide variant.
Coding change: c.96286G>A on transcript NM_001267550.2 (MANE Select); coding-DNA position 96286, G replaced by A.
Protein change: p.Ala32096Thr; replaces alanine 32096 with threonine.
Molecular consequence: missense variant.
Genome position (GRCh38, 1-based): chr2:178,543,858, C>T on the plus strand (G>A on the coding strand, the complement: TTN is on the minus strand). VCF-style: chr2-178543858-C-T. GRCh37 (hg19) VCF-style: chr2-179408585-C-T.
Other names: c.91363G>A, p.Ala30455Thr (NM_001256850.1); c.88582G>A, p.Ala29528Thr (NM_133378.4); c.69091G>A, p.Ala23031Thr (NM_003319.4); c.69466G>A, p.Ala23156Thr (NM_133432.3); c.69667G>A, p.Ala23223Thr (NM_133437.4); short protein forms A32096T, A29528T, A30455T, A23031T, A23156T, A23223T.
Identifiers: ClinVar variation 47569 (VCV000047569.18), dbSNP rs376039623, ClinGen allele CA141378.

ClinVar aggregate classification (germline): Conflicting classifications of pathogenicity. Review status: criteria provided, conflicting classifications (1 of 4 stars). 9 submissions from 9 submitters: Uncertain significance (6); Likely benign (3). Last evaluated 2025-06-16.

Conditions:
TTN-related disorder. Also called: TTN-related condition; TTN-related disease; TTN-related disorders.
Autosomal recessive limb-girdle muscular dystrophy type 2J (LGMDR10). Also called: Limb-girdle muscular dystrophy, type 2J; MUSCULAR DYSTROPHY, LIMB-GIRDLE, AUTOSOMAL RECESSIVE 10. Identifiers: Orphanet 140922, MedGen C1837342, MONDO:0012127, OMIM 608807.
Dilated cardiomyopathy 1G (CMD1G). Identifiers: Orphanet 154, MedGen C1858763, MONDO:0011400, OMIM 604145.
Cardiovascular phenotype. Identifiers: MedGen CN230736.
Myopathy, myofibrillar, 9, with early respiratory failure (MFM9). Also called: Hereditary myopathy with early respiratory failure; EDSTROM MYOPATHY; MYOPATHY, PROXIMAL, WITH EARLY RESPIRATORY MUSCLE INVOLVEMENT; Myopathy, distal, with early respiratory failure, autosomal dominant. Identifiers: Orphanet 178464, Orphanet 34521, MedGen C1863599, MONDO:0011362, OMIM 603689.
Early-onset myopathy with fatal cardiomyopathy (CMYO5). Also called: Salih Myopathy; CONGENITAL MYOPATHY 5 WITH CARDIOMYOPATHY. Identifiers: Orphanet 289377, MedGen C2673677, MONDO:0012714, OMIM 611705. Disease mechanism: loss of function.
Hypertrophic cardiomyopathy 9. Also called: Familial hypertrophic cardiomyopathy 9. Identifiers: MedGen C1861065, MONDO:0013412, OMIM 613765.
Tibial muscular dystrophy (TMD). Also called: Tibial muscular dystrophy, tardive; UDD MYOPATHY; Udd Distal Myopathy – Tibial Muscular Dystrophy. Identifiers: Orphanet 609, MedGen C1838244, MONDO:0010870, OMIM 600334.

Allele frequency attached by ClinVar (database versions not stated): gnomAD 0.00004 and 0.00005; ExAC 0.00007; TOPMed 0.00007; gnomAD exomes 0.00008; ESP Exome Variant Server 0.00017.
gnomAD v4.1: 61 of 1,613,556 alleles (0.0038%); highest among the groups gnomAD compares: Admixed American, 0.02%; no homozygotes.

Submissions (9):

PreventionGenetics, part of Exact Sciences
Classification: Uncertain significance for TTN-related condition. Last evaluated: 2025-06-16. Review status: criteria provided, single submitter. Criteria: ACMG Guidelines, 2015. Collection method: clinical testing. Allele origin: germline.
Comment: The TTN c.96286G>A variant is predicted to result in the amino acid substitution p.Ala32096Thr. This variant has been reported in an individual with dilated cardiomyopathy (referred to as p.Ala29528Thr in Table S3, Pugh et al. 2014. PubMed ID: 24503780) and in a case of sudden unexplained death (Sanchez et al. 2016. PubMed ID: 27930701). This variant is reported in 0.017% of alleles in individuals of Latino descent in gnomAD. This variant has conflicting classifications in ClinVar ranging from uncertain to likely benign (ID: 47569). At this time, the clinical significance of this variant is uncertain due to the absence of conclusive functional and genetic evidence.

Molecular Diagnostic Laboratory for Inherited Cardiovascular Disease, Montreal Heart Institute
Classification: Likely benign. Last evaluated: 2025-04-09. Review status: criteria provided, single submitter. Criteria: ACMG Guidelines, 2015. Collection method: clinical testing. Allele origin: germline. Affected: no.
Comment: BP1

Blueprint Genetics
Classification: Likely benign. Last evaluated: 2024-09-07. Review status: criteria provided, single submitter. Criteria: ACMG Guidelines, 2015. Collection method: clinical testing. Allele origin: germline.

Revvity Omics, Revvity
Classification: Uncertain significance. Last evaluated: 2024-01-23. Review status: criteria provided, single submitter. Criteria: ACMG Guidelines, 2015. Collection method: clinical testing. Allele origin: germline.

Ambry Genetics
Classification: Likely benign for Cardiovascular phenotype. Last evaluated: 2021-11-09. Review status: criteria provided, single submitter. Criteria: Ambry Variant Classification Scheme 2023. Collection method: clinical testing. Allele origin: germline.

Fulgent Genetics
Classification: Uncertain significance for Tibial muscular dystrophy; Myopathy, myofibrillar, 9, with early respiratory failure; Dilated cardiomyopathy 1G; Autosomal recessive limb-girdle muscular dystrophy type 2J; Early-onset myopathy with fatal cardiomyopathy; Hypertrophic cardiomyopathy 9. Last evaluated: 2021-07-20. Review status: criteria provided, single submitter. Criteria: ACMG Guidelines, 2015. Collection method: clinical testing. Allele origin: unknown.

Labcorp Genetics (formerly Invitae), Labcorp
Classification: Uncertain significance for Dilated cardiomyopathy 1G; Autosomal recessive limb-girdle muscular dystrophy type 2J. Last evaluated: 2017-08-31. Review status: criteria provided, single submitter. Criteria: Invitae Variant Classification Sherloc (09022015). Collection method: clinical testing. Allele origin: germline.

GeneDx
Classification: Uncertain significance. Last evaluated: 2017-08-11. Review status: criteria provided, single submitter. Criteria: GeneDx Variant Classification (06012015). Collection method: clinical testing. Allele origin: germline. Affected: yes.
Comment: The A29528T variant has been reported in one individual with dilated cardiomyopathy; however, this individual harbored additional cardiogenetic variants and segregation data was not provided (Pugh et al., 2014). Additionally, A29528T was reported in an individual with unexplained sudden death, however, detailed clinical information and segregation data was not provided (Sanchez et al., 2016). The A29528T variant is observed in 6/66,468 (0.01%) alleles from individuals of European background (Lek et al., 2016; 1000 Genomes Consortium et al., 2015; Exome Variant Server). Most reported pathogenic variants in the TTN gene are truncating/loss-of-function. However, this variant is a non-conservative amino acid substitution, which is likely to impact secondary protein structure as these residues differ in polarity, charge, size and/or other properties. Additionally, this substitution occurs at a position that is conserved in mammals, and is located in the A-band of the titin protein, where the majority of pathogenic truncating variants have been reported. In silico analysis predicts this variant is probably damaging to the protein structure/function.

Laboratory for Molecular Medicine, Mass General Brigham Personalized Medicine
Classification: Uncertain significance. Last evaluated: 2012-12-12. Review status: criteria provided, single submitter. Criteria: LMM Criteria. Collection method: clinical testing. Allele origin: germline. Observed: 2 variant alleles.
Comment: Variant classified as Uncertain Significance - Favor Benign. Both individuals also carried likely disease-causing variants in TTN, 1 of which was likely on the same copy of the gene (in cis). In addition, this variant has been identified in 2/8246 European American chromosomes from a broad population by the NHLBI Exome Sequencing Project. Alani ne (Ala) at position 29528 is conserved in mammals and in evolutionarily distant species down to fish, though the change to threonine (Thr) is present in medaka . Additional computational analyses (biochemical amino acid properties, AlignGVG D, PolyPhen2, and SIFT) do not provide strong support for or against and impact to the protein. In summary, although collectively this information supports that the Ala29528Thr variant may be benign, additional studies are needed to fully a ssess its clinical significance.